The following is an entry in ClinVar:

ClinVar aggregate classification (germline): Pathogenic. Review status: criteria provided, multiple submitters, no conflicts (2 of 4 stars). 3 submissions from 3 submitters: Pathogenic (3). Last evaluated 2026-08-28.

Conditions:
Inherited renal cancer.
Hereditary cancer-predisposing syndrome. Also called: Neoplastic Syndromes, Hereditary; Tumor predisposition; Hereditary Cancer Syndrome; Hereditary neoplastic syndrome. Identifiers: Orphanet 140162, MedGen C0027672, MeSH D009386, MONDO:0015356.
BAP1-related tumor predisposition syndrome (TPDS1). Also called: Tumor susceptibility linked to germline BAP1 mutations; COMMON Syndrome; TUMOR PREDISPOSITION SYNDROME 1; BAP1 tumor predisposition syndrome. Identifiers: Orphanet 289539, MedGen C3280492, MONDO:0013692, OMIM 614327.

Submissions (3):

Genetics Laboratory, Great Ormond Street Hospital NHS Foundation Trust, North Thames Genomic Laboratory Hub
Classification: Pathogenic for Inherited renal cancer. Last evaluated: 2026-08-28. Review status: criteria provided, single submitter. Criteria: CanVIG Consensus Spec V3.0. Collection method: clinical testing. Allele origin: germline. Affected: yes.
Comment: PM2_moderate, PVS1_very-strong

Ambry Genetics
Classification: Pathogenic for Hereditary cancer-predisposing syndrome. Last evaluated: 2025-04-22. Review status: criteria provided, single submitter. Criteria: Ambry Variant Classification Scheme 2023. Collection method: clinical testing. Allele origin: germline.
Comment: The c.760_763delACAG pathogenic mutation, located in coding exon 9 of the BAP1 gene, results from a deletion of 4 nucleotides at nucleotide positions 760 to 763, causing a translational frameshift with a predicted alternate stop codon (p.T254Yfs*2). This variant is considered to be rare based on population cohorts in the Genome Aggregation Database (gnomAD). This alteration is expected to result in loss of function by premature protein truncation or nonsense-mediated mRNA decay. As such, this alteration is interpreted as a disease-causing mutation.

Labcorp Genetics (formerly Invitae), Labcorp
Classification: Pathogenic for BAP1-related tumor predisposition syndrome. Last evaluated: 2021-03-15. Review status: criteria provided, single submitter. Criteria: Invitae Variant Classification Sherloc (09022015). Collection method: clinical testing. Allele origin: germline.
Comment: For these reasons, this variant has been classified as Pathogenic. This variant has not been reported in the literature in individuals with BAP1-related conditions. This variant is not present in population databases (ExAC no frequency). This sequence change creates a premature translational stop signal (p.Thr254Tyrfs*2) in the BAP1 gene. It is expected to result in an absent or disrupted protein product. Loss-of-function variants in BAP1 are known to be pathogenic (PMID: 21874000, 23684012).

Literature cited by the submitters: PubMed 21874000 (cited by Labcorp Genetics (formerly Invitae), Labcorp); PubMed 23684012 (cited by Labcorp Genetics (formerly Invitae), Labcorp).

NM_004656.4(BAP1):c.760_763del (p.Thr254fs)

Gene: BAP1 (BRCA1 associated deubiquitinase 1; minus strand). Cytogenetic location: 3p21.1.
Variant type: Deletion.
Coding change: c.760_763del on transcript NM_004656.4 (MANE Select); coding-DNA positions 760 to 763, 4 bases deleted (ACAG; older notation c.760_763delACAG).
Protein change: p.Thr254fs; shifts the reading frame from threonine 254.
Molecular consequence: frameshift variant.
Genome position (GRCh38, 1-based): chr3:52,406,273-52,406,276, CTGT deleted on the plus strand (ACAG on the coding strand, the reverse complement: BAP1 is on the minus strand); deleting any 4 consecutive bases within chr3:52,406,273-52,406,279 gives the same sequence; the c. name uses the placement nearest the transcript's 3' end. VCF-style (leftmost placement, unchanged base first): chr3-52406272-ACTGT-A. GRCh37 (hg19) VCF-style: chr3-52440288-ACTGT-A.
Other names: c.760_763delACAG (NM_004656.2); short protein forms T254fs.
Identifiers: ClinVar variation 1445114 (VCV001445114.8), dbSNP rs2153227431, ClinGen allele CA2573137341.
Genomic context (GRCh38, chr3:52,406,272, plus strand): 5'-AGGGTTGGGCTGGGCAGAGGCCAGGAAGAAAGGGCACCTACCTGCTGCAGAGCCTCTAGT[ACTGT>A]CTGACGGTTCACCTTCAGCACATGCAGCCTGGCCTCATACTTGATCCTGCGGTCGGGCAC-3'